The following is an entry in ClinVar:

NM_000465.4(BARD1):c.413_419del (p.Asn138fs)

Gene: BARD1 (BRCA1 associated RING domain 1; minus strand). Cytogenetic location: 2q35.
Variant type: Deletion.
Coding change: c.413_419del on transcript NM_000465.4 (MANE Select); coding-DNA positions 413 to 419, 7 bases deleted (ACAAGAA; older notation c.413_419delACAAGAA).
Protein change: p.Asn138fs; shifts the reading frame from asparagine 138.
Molecular consequence: frameshift variant. On other transcripts: non-coding transcript variant (2), intron variant (3).
Genome position (GRCh38, 1-based): chr2:214,781,455-214,781,461, TTCTTGT deleted on the plus strand (ACAAGAA on the coding strand, the reverse complement: BARD1 is on the minus strand); deleting any 7 consecutive bases within chr2:214,781,455-214,781,464 gives the same sequence; the c. name uses the placement nearest the transcript's 3' end. VCF-style (leftmost placement, unchanged base first): chr2-214781454-CTTCTTGT-C. GRCh37 (hg19) VCF-style: chr2-215646178-CTTCTTGT-C.
Other names: c.356_362del, p.Asn119fs (NM_001282543.2); c.158+27951_158+27957del (NM_001282548.2); c.215+15600_215+15606del (NM_001282545.2); c.364+10836_364+10842del (NM_001282549.2); short protein forms N119fs, N138fs.
Identifiers: ClinVar variation 656011 (VCV000656011.7), dbSNP rs1574821575, ClinGen allele CA915941696.

ClinVar aggregate classification (germline): Pathogenic (1 of 4 stars; one submission).

Conditions:
Familial cancer of breast. Also called: Hereditary breast cancer; hereditary breast carcinoma; BREAST CANCER, FAMILIAL. Identifiers: Orphanet 227535, MedGen C0346153, MONDO:0016419, OMIM 114480. Disease mechanism: loss of function.

Submission:

Labcorp Genetics (formerly Invitae), Labcorp
Classification: Pathogenic for Familial cancer of breast. Last evaluated: 2018-08-22. Review status: criteria provided, single submitter. Criteria: Invitae Variant Classification Sherloc (09022015). Collection method: clinical testing. Allele origin: germline.
Comment: For these reasons, this variant has been classified as Pathogenic. Loss-of-function variants in BARD1 are known to be pathogenic (PMID: 20077502, 21344236). This variant has not been reported in the literature in individuals with BARD1-related disease. This variant is not present in population databases (ExAC no frequency). This sequence change creates a premature translational stop signal (p.Asn138Argfs*19) in the BARD1 gene. It is expected to result in an absent or disrupted protein product.

Literature cited by the submitters: PubMed 20077502; PubMed 21344236.